The following is an entry in ClinVar:

NM_001457.4(FLNB):c.5624C>A (p.Thr1875Lys)

Gene: FLNB (filamin B; plus strand). Cytogenetic location: 3p14.3.
Variant type: single nucleotide variant.
Coding change: c.5624C>A on transcript NM_001457.4 (MANE Select); coding-DNA position 5624, C replaced by A.
Protein change: p.Thr1875Lys; replaces threonine 1875 with lysine.
Molecular consequence: missense variant.
Genome position (GRCh38, 1-based): chr3:58,146,889, C>A. VCF-style: chr3-58146889-C-A. GRCh37 (hg19) VCF-style: chr3-58132616-C-A.
Other names: c.5717C>A, p.Thr1906Lys (NM_001164317.2); c.5591C>A, p.Thr1864Lys (NM_001164318.2); c.5552C>A, p.Thr1851Lys (NM_001164319.2); short protein forms T1864K, T1875K, T1906K, T1851K.
Identifiers: ClinVar variation 2832865 (VCV002832865.3), dbSNP rs1385351933, ClinGen allele CA353354991.

ClinVar aggregate classification (germline): Uncertain significance (1 of 4 stars; one submission).

Allele frequency attached by ClinVar (database versions not stated): TOPMed below 0.00001.
gnomAD v4.1: 1 of 1,614,178 alleles (0.000062%); highest among the groups gnomAD compares: Non-Finnish European, 0.000085%; no homozygotes.

Submission:

Labcorp Genetics (formerly Invitae), Labcorp
Classification: Uncertain significance. Last evaluated: 2023-05-28. Review status: criteria provided, single submitter. Criteria: Invitae Variant Classification Sherloc (09022015). Collection method: clinical testing. Allele origin: germline.
Comment: This sequence change replaces threonine, which is neutral and polar, with lysine, which is basic and polar, at codon 1875 of the FLNB protein (p.Thr1875Lys). This variant is not present in population databases (gnomAD no frequency). This variant has not been reported in the literature in individuals affected with FLNB-related conditions. Advanced modeling of protein sequence and biophysical properties (such as structural, functional, and spatial information, amino acid conservation, physicochemical variation, residue mobility, and thermodynamic stability) performed at Invitae indicates that this missense variant is not expected to disrupt FLNB protein function. In summary, the available evidence is currently insufficient to determine the role of this variant in disease. Therefore, it has been classified as a Variant of Uncertain Significance.